The following is an entry in ClinVar:

ClinVar aggregate classification (germline): Pathogenic. Review status: criteria provided, multiple submitters, no conflicts (2 of 4 stars). 2 submissions from 2 submitters: Pathogenic (2). Last evaluated 2026-03-05.

Conditions:
Aniridia 1 (AN1). Identifiers: Orphanet 250923, MedGen C0344542, MONDO:0024507, OMIM 106210.

Submissions (2):

GeneDx
Classification: Pathogenic. Last evaluated: 2026-03-05. Review status: criteria provided, single submitter. Criteria: GeneDx Variant Classification Process June 2021. Collection method: clinical testing. Allele origin: germline.
Comment: Identified in patients with clinical features consistent with a PAX6-related disorder in published literature (PMID: 32360764, 28488383); Nonsense variant predicted to result in protein truncation or nonsense mediated decay in a gene for which loss of function is a known mechanism of disease; Not observed at significant frequency in large population cohorts (gnomAD); This variant is associated with the following publications: (PMID: 33745259, 32360764, 28488383)

Wessex Regional Genetics Laboratory, Salisbury District Hospital
Classification: Pathogenic for Aniridia 1. Last evaluated: 2019-08-15. Review status: criteria provided, single submitter. Criteria: ACMG Guidelines, 2015. Collection method: clinical testing. Allele origin: inherited, unknown. Inheritance: Autosomal dominant inheritance. Affected: yes. Observed: 2 variant alleles.

NM_001368894.2(PAX6):c.225C>G (p.Tyr75Ter)

Gene: PAX6 (paired box 6; minus strand). Cytogenetic location: 11p13.
Variant type: single nucleotide variant.
Coding change: c.225C>G on transcript NM_001368894.2 (MANE Select); coding-DNA position 225, C replaced by G.
Protein change: p.Tyr75Ter; replaces tyrosine 75 with a stop codon.
Molecular consequence: nonsense. On other transcripts: 5 prime UTR variant (14), intron variant (8), non-coding transcript variant (2).
Genome position (GRCh38, 1-based): chr11:31,801,735, G>C on the plus strand (C>G on the coding strand, the complement: PAX6 is on the minus strand). VCF-style: chr11-31801735-G-C. GRCh37 (hg19) VCF-style: chr11-31823283-G-C.
Other names: c.183C>G, p.Tyr61Ter (NM_001368916.2, NM_001368917.2, NM_000280.6 and 10 more transcripts); c.225C>G, p.Tyr75Ter (NM_001258462.3, NM_001258463.2, NM_001310158.2 and 6 more transcripts); c.-557C>G (NM_001310160.2, NM_001368902.2, NM_001368905.2); c.-226C>G (NM_001310161.3, NM_001368899.2, NM_001368900.2 and 8 more transcripts); c.156+27C>G (NM_001368928.2); c.198+27C>G (NM_001368925.2, NM_001368924.2, NM_001368921.2 and 4 more transcripts); c.300C>G, p.Tyr100Ter (NM_001368918.2, NM_001368919.2); c.258C>G, p.Tyr86Ter (NM_001368920.2); and 2 more; short protein forms Y100*, Y75*, Y86*, Y142*, Y61*, Y76*.
Identifiers: ClinVar variation 800411 (VCV000800411.3), dbSNP rs760490431, ClinGen allele CA379958998.